The following is an entry in ClinVar:

ClinVar aggregate classification (germline): Conflicting classifications of pathogenicity. Review status: criteria provided, conflicting classifications (1 of 4 stars). 5 submissions from 5 submitters: Uncertain significance (1); Likely benign (2). 2 of the submissions do not count toward it. Last evaluated 2025-01-15.

Conditions:
RBP3-related disorder. Also called: RBP3-related condition.
Retinitis pigmentosa 66 (RP66). Identifiers: Orphanet 791, MedGen C3715216, MONDO:0014093, OMIM 615233.

Allele frequency attached by ClinVar (database versions not stated): gnomAD exomes 0.00041; ExAC 0.00057; 1000 Genomes Project 0.00140; 1000 Genomes Project 30x 0.00141; gnomAD 0.00177; TOPMed 0.00184; ESP Exome Variant Server 0.00246.
gnomAD v4.1: 537 of 1,613,982 alleles (0.033%); highest among the groups gnomAD compares: African/African-American, 0.63%; 2 homozygotes.

Submissions (5):

Labcorp Genetics (formerly Invitae), Labcorp
Classification: Likely benign. Last evaluated: 2025-01-15. Review status: criteria provided, single submitter. Criteria: Invitae Variant Classification Sherloc (09022015). Collection method: clinical testing. Allele origin: germline.

Blueprint Genetics
Classification: Likely benign. Last evaluated: 2024-09-11. Review status: criteria provided, single submitter. Criteria: ACMG Guidelines, 2015. Collection method: clinical testing. Allele origin: germline.

Eurofins Ntd Llc (ga)
Classification: Uncertain significance. Last evaluated: 2014-08-25. Review status: criteria provided, single submitter. Criteria: EGL Classification Definitions 2015. Collection method: clinical testing. Allele origin: germline. Observed: 1 variant allele, 1 heterozygote.

PreventionGenetics, part of Exact Sciences
Classification: Likely benign for RBP3-related condition. Last evaluated: 2020-03-23. Review status: no assertion criteria provided. Collection method: clinical testing. Allele origin: germline. Not counted in ClinVar's aggregate classification.
Comment: This variant is classified as likely benign based on ACMG/AMP sequence variant interpretation guidelines (Richards et al. 2015 PMID: 25741868, with internal and published modifications).

ClinVar Staff, National Center for Biotechnology Information (NCBI)
Classification: Uncertain significance for Retinitis pigmentosa 66. Last evaluated: 2013-06-27. Review status: no assertion criteria provided. Collection method: literature only. Allele origin: germline. Affected: yes. Not counted in ClinVar's aggregate classification.

Literature cited by the submitters: PubMed 19074801 (cited by ClinVar Staff, National Center for Biotechnology Information (NCBI)).

NM_002900.3(RBP3):c.3062C>A (p.Ser1021Tyr)

Gene: RBP3 (retinol binding protein 3; plus strand). Cytogenetic location: 10q11.22.
Variant type: single nucleotide variant.
Coding change: c.3062C>A on transcript NM_002900.3 (MANE Select); coding-DNA position 3062, C replaced by A.
Protein change: p.Ser1021Tyr; replaces serine 1021 with tyrosine.
Molecular consequence: missense variant.
Genome position (GRCh38, 1-based): chr10:47,353,332, C>A. VCF-style: chr10-47353332-C-A. GRCh37 (hg19) VCF-style: chr10-48386030-G-T.
Other names: short protein forms S1021Y.
Identifiers: ClinVar variation 195184 (VCV000195184.18), dbSNP rs148591757, ClinGen allele CA241484.
Genomic context (GRCh38, chr10:47,353,332, plus strand): 5'-CTCTAAAACTGGCTGCTCCTCCTGACACTGAGTAGGACCTCCAACTCTTACAGATCCCTT[C>A]CCCTGAAGTATTTGAAGAGCTGATCAAGTTTTCCTTCCACACTAACGTGCTTGAGGACAA-3'
Protein context (NP_002891.1, residues 1011-1031): IPGIVPMQIP[Ser1021Tyr]PEVFEELIKF